The following is an entry in ClinVar:

ClinVar aggregate classification (germline): Uncertain significance. Review status: criteria provided, multiple submitters, no conflicts (2 of 4 stars). 2 submissions from 2 submitters: Uncertain significance (2). Last evaluated 2023-03-04.

Conditions:
Noonan syndrome 8 (NS8). Identifiers: Orphanet 648, MedGen C3809233, MONDO:0014143, OMIM 615355.
Cardiovascular phenotype. Identifiers: MedGen CN230736.

gnomAD v4.1: 1 of 1,614,272 alleles (0.000062%); no homozygotes.

Submissions (2):

Labcorp Genetics (formerly Invitae), Labcorp
Classification: Uncertain significance for Noonan syndrome 8. Last evaluated: 2023-03-04. Review status: criteria provided, single submitter. Criteria: Invitae Variant Classification Sherloc (09022015). Collection method: clinical testing. Allele origin: germline.
Comment: ClinVar contains an entry for this variant (Variation ID: 1789271). This variant has not been reported in the literature in individuals affected with RIT1-related conditions. This variant is not present in population databases (gnomAD no frequency). This sequence change replaces valine, which is neutral and non-polar, with phenylalanine, which is neutral and non-polar, at codon 8 of the RIT1 protein (p.Val8Phe). Advanced modeling of protein sequence and biophysical properties (such as structural, functional, and spatial information, amino acid conservation, physicochemical variation, residue mobility, and thermodynamic stability) performed at Invitae indicates that this missense variant is not expected to disrupt RIT1 protein function. In summary, the available evidence is currently insufficient to determine the role of this variant in disease. Therefore, it has been classified as a Variant of Uncertain Significance. Algorithms developed to predict the effect of sequence changes on RNA splicing suggest that this variant may create or strengthen a splice site.

Ambry Genetics
Classification: Uncertain significance for Cardiovascular phenotype. Last evaluated: 2022-04-20. Review status: criteria provided, single submitter. Criteria: Ambry Variant Classification Scheme 2023. Collection method: clinical testing. Allele origin: germline.
Comment: The p.V8F variant (also known as c.22G>T), located in coding exon 1 of the RIT1 gene, results from a G to T substitution at nucleotide position 22. The valine at codon 8 is replaced by phenylalanine, an amino acid with highly similar properties. This amino acid position is conserved. In addition, this alteration is predicted to be tolerated by in silico analysis. Since supporting evidence is limited at this time, the clinical significance of this alteration remains unclear.

NM_006912.6(RIT1):c.22G>T (p.Val8Phe)

Gene: RIT1 (Ras like without CAAX 1; minus strand). Cytogenetic location: 1q22.
Variant type: single nucleotide variant.
Coding change: c.22G>T on transcript NM_006912.6 (MANE Select); coding-DNA position 22, G replaced by T.
Protein change: p.Val8Phe; replaces valine 8 with phenylalanine.
Molecular consequence: missense variant. On other transcripts: intron variant (1).
Genome position (GRCh38, 1-based): chr1:155,910,740, C>A on the plus strand (G>T on the coding strand, the complement: RIT1 is on the minus strand). VCF-style: chr1-155910740-C-A. GRCh37 (hg19) VCF-style: chr1-155880531-C-A.
Other names: c.73G>T, p.Val25Phe (NM_001256821.2); c.-2-234G>T (NM_001256820.2); short protein forms V25F, V8F.
Identifiers: ClinVar variation 1789271 (VCV001789271.5), dbSNP rs1193358245, ClinGen allele CA342776512.
Genomic context (GRCh38, chr1:155,910,740, plus strand): 5'-CCAGCATCACTAGTTTGTACTCCCGTGAGAGCCCAGCGGGGCTGCTACAGCAGCTACCAA[C>A]TGGGCGAGTTCCAGAATCCATTGTCCTCTTGGGGCCTTCCTCGGTTGCCCCGAGGAAAAG-3'
Protein context (NP_008843.1, residues 1-18): MDSGTRP[Val8Phe]GSCCSSPAGL